The following is an entry in ClinVar:

ClinVar aggregate classification (germline): Uncertain significance. Review status: criteria provided, multiple submitters, no conflicts (2 of 4 stars). 2 submissions from 2 submitters: Uncertain significance (2). Last evaluated 2025-12-17.

Conditions:
Inborn genetic diseases. Identifiers: MedGen C0950123, MeSH D030342.
Mosaic variegated aneuploidy syndrome 1 (MVA1). Also called: Warburton-Anyane-Yeboa syndrome. Identifiers: Orphanet 1052, MedGen C1850343, MONDO:0009759, OMIM 257300.

Submissions (2):

Ambry Genetics
Classification: Uncertain significance for Inborn genetic diseases. Last evaluated: 2025-12-17. Review status: criteria provided, single submitter. Criteria: Ambry Variant Classification Scheme 2023. Collection method: clinical testing. Allele origin: germline.
Comment: The p.L11R variant (also known as c.32T>G), located in coding exon 1 of the BUB1B gene, results from a T to G substitution at nucleotide position 32. The leucine at codon 11 is replaced by arginine, an amino acid with dissimilar properties. This amino acid position is conserved. In addition, this alteration is predicted to be tolerated by in silico analysis. Based on the available evidence, the clinical significance of this variant remains unclear.

Labcorp Genetics (formerly Invitae), Labcorp
Classification: Uncertain significance for Mosaic variegated aneuploidy syndrome 1. Last evaluated: 2022-09-09. Review status: criteria provided, single submitter. Criteria: Invitae Variant Classification Sherloc (09022015). Collection method: clinical testing. Allele origin: germline.
Comment: In summary, the available evidence is currently insufficient to determine the role of this variant in disease. Therefore, it has been classified as a Variant of Uncertain Significance. This sequence change replaces leucine, which is neutral and non-polar, with arginine, which is basic and polar, at codon 11 of the BUB1B protein (p.Leu11Arg). This variant is not present in population databases (gnomAD no frequency). This variant has not been reported in the literature in individuals affected with BUB1B-related conditions. Algorithms developed to predict the effect of missense changes on protein structure and function (SIFT, PolyPhen-2, Align-GVGD) all suggest that this variant is likely to be tolerated.

NM_001211.6(BUB1B):c.32T>G (p.Leu11Arg)

Genes: BUB1B (BUB1 mitotic checkpoint serine/threonine kinase B; plus strand), LOC130056830 (ATAC-STARR-seq lymphoblastoid active region 9236; plus strand). Cytogenetic location: 15q15.1.
Variant type: single nucleotide variant.
Coding change: c.32T>G on transcript NM_001211.6 (MANE Select); coding-DNA position 32, T replaced by G.
Protein change: p.Leu11Arg; replaces leucine 11 with arginine.
Molecular consequence: missense variant.
Genome position (GRCh38, 1-based): chr15:40,161,252, T>G. VCF-style: chr15-40161252-T-G. GRCh37 (hg19) VCF-style: chr15-40453453-T-G.
Other names: short protein forms L11R.
Identifiers: ClinVar variation 1898776 (VCV001898776.6), dbSNP rs747863124, ClinGen allele CA391676503.
Genomic context (GRCh38, chr15:40,161,252, plus strand): 5'-AGGACGAGGACCTGAGCCAGGAATGCAGGATGGCGGCGGTGAAGAAGGAAGGGGGTGCTC[T>G]GAGGTAGGTACGGGAGAAAGCTGCTGGGGGCTGGGCCTGAGAGGACACGGCCTGGTAGGT-3'
Protein context (NP_001202.5, residues 1-21): MAAVKKEGGA[Leu11Arg]SEAMSLEGDE